The following is an entry in ClinVar:

ClinVar aggregate classification (germline): Uncertain significance (1 of 4 stars; one submission).

Conditions:
Inborn genetic diseases. Identifiers: MedGen C0950123, MeSH D030342.

Submission:

Ambry Genetics
Classification: Uncertain significance for Inborn genetic diseases. Last evaluated: 2026-07-02. Review status: criteria provided, single submitter. Criteria: Ambry Variant Classification Scheme 2023. Collection method: clinical testing. Allele origin: germline.
Comment: The p.V1307L variant (also known as c.3919G>C), located in coding exon 19 of the ATP7B gene, results from a G to C substitution at nucleotide position 3919. The valine at codon 1307 is replaced by leucine, an amino acid with highly similar properties. This amino acid position is conserved. In addition, this alteration is predicted to be deleterious by in silico analysis. Based on the available evidence, the clinical significance of this variant remains unclear.

NM_000053.4(ATP7B):c.3919G>C (p.Val1307Leu)

Gene: ATP7B (ATPase copper transporting beta; minus strand). Cytogenetic location: 13q14.3.
Variant type: single nucleotide variant.
Coding change: c.3919G>C on transcript NM_000053.4 (MANE Select); coding-DNA position 3919, G replaced by C.
Protein change: p.Val1307Leu; replaces valine 1307 with leucine.
Molecular consequence: missense variant.
Genome position (GRCh38, 1-based): chr13:51,937,378, C>G on the plus strand (G>C on the coding strand, the complement: ATP7B is on the minus strand). VCF-style: chr13-51937378-C-G. GRCh37 (hg19) VCF-style: chr13-52511514-C-G.
Other names: c.3298G>C, p.Val1100Leu (NM_001005918.3); c.3586G>C, p.Val1196Leu (NM_001243182.2); c.3685G>C, p.Val1229Leu (NM_001330578.2, NM_001406527.1, NM_001406528.1); c.3667G>C, p.Val1223Leu (NM_001330579.2, NM_001406531.1, NM_001406532.1); c.3919G>C, p.Val1307Leu (NM_001406511.1, NM_001406512.1); c.3913G>C, p.Val1305Leu (NM_001406513.1); c.3886G>C, p.Val1296Leu (NM_001406514.1); c.3865G>C, p.Val1289Leu (NM_001406515.1, NM_001406516.1); and 21 more; short protein forms V1100L, V1158L, V1164L, V1229L, V1242L, V1246L, V1307L, V1145L.
Identifiers: ClinVar variation 5032380 (VCV005032380.1).
Genomic context (GRCh38, chr13:51,937,378, plus strand): 5'-GGACCAGGTTGATGCGTATCCTTCGGACAGTCCTCTTGGAAAGGTGAATGCTAGCCACCA[C>G]ATCCAGCAAATCATTCTGATGGAGAGGAGCACACAGTGAGGAAGGGGTCTGCCCATTGCC-3'
Protein context (NP_000044.2, residues 1297-1317): VVLIRNDLLD[Val1307Leu]VASIHLSKRT